The following is an entry in ClinVar:

ClinVar aggregate classification (germline): Pathogenic (1 of 4 stars; one submission).

Submission:

GeneDx
Classification: Pathogenic. Last evaluated: 2018-07-19. Review status: criteria provided, single submitter. Criteria: GeneDx Variant Classification (06012015). Collection method: clinical testing. Allele origin: germline. Affected: yes.
Comment: The c.2623dupA variant in the BPTF gene has not been reported previously as a pathogenic variant nor as a benign variant, to our knowledge. The c.2623dupA variant causes a frameshift starting with codon Arginine 875, changes this amino acid to a Lysine residue, and creates a premature Stop codon at position 6 of the new reading frame, denoted p.Arg875LysfsX6. This variant is predicted to cause loss of normal protein function either through protein truncation or nonsense-mediated mRNA decay. The c.2623dupA variant is not observed in large population cohorts (Lek et al., 2016). We interpret c.2623dupA as a pathogenic variant.

NM_182641.4(BPTF):c.2245dup (p.Arg749fs)

Gene: BPTF (bromodomain PHD finger transcription factor; plus strand). Cytogenetic location: 17q24.2.
Variant type: Duplication.
Coding change: c.2245dup on transcript NM_182641.4 (MANE Select); coding-DNA position 2245, one base duplicated (A; older notation c.2245dupA).
Protein change: p.Arg749fs; shifts the reading frame from arginine 749.
Molecular consequence: frameshift variant.
Genome position (GRCh38, 1-based): chr17:67,893,559, A duplicated; the last of 2 consecutive A bases (chr17:67,893,558-67,893,559); duplicating either gives the same sequence. VCF-style (leftmost placement, unchanged base first): chr17-67893557-G-GA. GRCh37 (hg19) VCF-style: chr17-65889673-G-GA.
Other names: c.2623dup, p.Arg875fs (NM_004459.7); short protein forms R749fs, R875fs.
Identifiers: ClinVar variation 817147 (VCV000817147.1), dbSNP rs1598468564, ClinGen allele CA915952164.